The following is an entry in ClinVar:

ClinVar aggregate classification (germline): Likely pathogenic (1 of 4 stars; one submission).

Conditions:
Cardiovascular phenotype. Identifiers: MedGen CN230736.

Submission:

Ambry Genetics
Classification: Likely pathogenic for Cardiovascular phenotype. Last evaluated: 2025-08-18. Review status: criteria provided, single submitter. Criteria: Ambry Variant Classification Scheme 2023. Collection method: clinical testing. Allele origin: germline.
Comment: The p.Q6025* variant (also known as c.18073C>T), located in coding exon 72 of the TTN gene, results from a C to T substitution at nucleotide position 18073. This changes the amino acid from a glutamine to a stop codon within coding exon 72. This exon is located in the I-band region of the N2-B isoform of the titin protein and is constitutively expressed in TTN transcripts (percent spliced in or PSI 100%). This variant is considered to be rare based on population cohorts in the Genome Aggregation Database (gnomAD). This variant is expected to result in loss of function by premature protein truncation or nonsense-mediated mRNA decay. While truncating variants in TTN are present in 1-3% of the general population, truncating variants in the A-band are the most common cause of dilated cardiomyopathy (Herman DS et al. N. Engl. J. Med., 2012 Feb;366:619-28; Roberts AM et al. Sci Transl Med, 2015 Jan;7:270ra6). TTN truncating variants encoded in constitutive exons (PSI >90%) have been found to be significantly associated with DCM regardless of their position in titin (Schafer S et al. Nat. Genet., 2017 01;49:46-53; Akhtar MM et al. Circ Heart Fail, 2020 Oct;13:e006832; Massier M et al. Clin Genet, 2025 Jan). Based on the majority of available evidence to date, this variant is likely to be pathogenic.

NM_001267550.2(TTN):c.45268C>T (p.Gln15090Ter)

Genes: TTN (titin; minus strand), LOC126806427 (BRD4-independent group 4 enhancer GRCh37_chr2:179485777-179486976; plus strand). Cytogenetic location: 2q31.2.
Variant type: single nucleotide variant.
Coding change: c.45268C>T on transcript NM_001267550.2 (MANE Select); coding-DNA position 45268, C replaced by T.
Protein change: p.Gln15090Ter; replaces glutamine 15090 with a stop codon.
Molecular consequence: nonsense.
Genome position (GRCh38, 1-based): chr2:178,621,556, G>A on the plus strand (C>T on the coding strand, the complement: TTN is on the minus strand). VCF-style: chr2-178621556-G-A. GRCh37 (hg19) VCF-style: chr2-179486283-G-A.
Other names: c.40345C>T, p.Gln13449Ter (NM_001256850.1); c.18073C>T, p.Gln6025Ter (NM_003319.4); c.37564C>T, p.Gln12522Ter (NM_133378.4); c.18448C>T, p.Gln6150Ter (NM_133432.3); c.18649C>T, p.Gln6217Ter (NM_133437.4); short protein forms Q15090*, Q6150*, Q6025*, Q6217*, Q13449*, Q12522*.
Identifiers: ClinVar variation 4193763 (VCV004193763.1).
Genomic context (GRCh38, chr2:178,621,556, plus strand): 5'-CGGTTCGAGAGCTTGGGAGTCGACAGTTGTAGTTGCCAGCATCCTCAAGGTGAGCGTTCT[G>A]AATGACCAGGATTCTCTTCCGTCCTTCAGTCAGTATTTCATATCTTCCTGTTTCAATGAT-3'